The following is an entry in ClinVar:

ClinVar aggregate classification (germline): Uncertain significance (1 of 4 stars; one submission).

Submission:

Ambry Genetics
Classification: Uncertain significance. Last evaluated: 2023-11-22. Review status: criteria provided, single submitter. Criteria: Ambry Variant Classification Scheme 2023. Collection method: clinical testing. Allele origin: germline.
Comment: The p.C2075Y variant (also known as c.6224G>A), located in coding exon 10 of the ALPK2 gene, results from a G to A substitution at nucleotide position 6224. The cysteine at codon 2075 is replaced by tyrosine, an amino acid with highly dissimilar properties. This amino acid position is conserved. In addition, this alteration is predicted to be tolerated by in silico analysis. Since supporting evidence is limited at this time, the clinical significance of this alteration remains unclear.

NM_052947.4(ALPK2):c.6224G>A (p.Cys2075Tyr)

Gene: ALPK2 (alpha kinase 2; minus strand). Cytogenetic location: 18q21.31.
Variant type: single nucleotide variant.
Coding change: c.6224G>A on transcript NM_052947.4 (MANE Select); coding-DNA position 6224, G replaced by A.
Protein change: p.Cys2075Tyr; replaces cysteine 2075 with tyrosine.
Molecular consequence: missense variant.
Genome position (GRCh38, 1-based): chr18:58,503,954, C>T on the plus strand (G>A on the coding strand, the complement: ALPK2 is on the minus strand). VCF-style: chr18-58503954-C-T. GRCh37 (hg19) VCF-style: chr18-56171186-C-T.
Other names: short protein forms C2075Y.
Identifiers: ClinVar variation 3228849 (VCV003228849.1), dbSNP rs2518854880, ClinGen allele CA402543129.